The following is an entry in ClinVar:

NM_001384140.1(PCDH15):c.3717+8G>C

Gene: PCDH15 (protocadherin related 15; minus strand). Cytogenetic location: 10q21.1.
Variant type: single nucleotide variant.
Coding change: c.3717+8G>C on transcript NM_001384140.1 (MANE Select); 8 bases into the intron after coding-DNA position 3717, G replaced by C.
Molecular consequence: intron variant.
Genome position (GRCh38, 1-based): chr10:53,866,634, C>G on the plus strand (G>C on the coding strand, the complement: PCDH15 is on the minus strand). VCF-style: chr10-53866634-C-G. GRCh37 (hg19) VCF-style: chr10-55626394-C-G.
Other names: c.3717+8G>C (NM_001142766.2, NM_033056.4, NM_001142764.2 and 4 more transcripts); c.3732+8G>C (NM_001142763.2, NM_001142771.2); c.3606+8G>C (NM_001142767.2); c.3504+8G>C (NM_001142765.2); c.3738+8G>C (NM_001354411.2); c.3753+8G>C (NM_001142769.3); c.3651+8G>C (NM_001354404.2, NM_001142773.2, NM_001142768.2).
Identifiers: ClinVar variation 196045 (VCV000196045.24), dbSNP rs200556301, ClinGen allele CA202108.
Genomic context (GRCh38, chr10:53,866,634, plus strand): 5'-AAACTGAAAACACTGACCTATGGCTAGTATCGTAGCTACTTCCCTTTCCTGAAGTTTTAT[C>G]TACTTACGAGTACATCGGCTTTGCCGCTCAGTCCCTTCCCATAGTCGTCAGTTGCAATAA-3'

ClinVar aggregate classification (germline): Benign. Review status: criteria provided, multiple submitters, no conflicts (2 of 4 stars). 6 submissions from 6 submitters: Benign (4). 2 of the submissions do not count toward it. Last evaluated 2026-01-26.

Allele frequency attached by ClinVar (database versions not stated): ExAC 0.00091; 1000 Genomes Project 0.00220; ESP Exome Variant Server 0.00331; TOPMed 0.00337; gnomAD exomes 0.00075; 1000 Genomes Project 30x 0.00281; gnomAD 0.00284 and 0.00305.
gnomAD v4.1: 769 of 1,611,006 alleles (0.048%); highest among the groups gnomAD compares: African/African-American, 0.89%; 7 homozygotes.

Submissions (6):

Labcorp Genetics (formerly Invitae), Labcorp
Classification: Benign. Last evaluated: 2026-01-26. Review status: criteria provided, single submitter. Criteria: Invitae Variant Classification Sherloc (09022015). Collection method: clinical testing. Allele origin: germline.

GeneDx
Classification: Benign. Last evaluated: 2018-10-09. Review status: criteria provided, single submitter. Criteria: GeneDx Variant Classification Process June 2021. Collection method: clinical testing. Allele origin: germline. Affected: yes.

Eurofins Ntd Llc (ga)
Classification: Benign. Last evaluated: 2015-05-19. Review status: criteria provided, single submitter. Criteria: EGL Classification Definitions 2015. Collection method: clinical testing. Allele origin: germline. Observed: 1 variant allele, 1 heterozygote.

Laboratory for Molecular Medicine, Mass General Brigham Personalized Medicine
Classification: Benign. Last evaluated: 2012-04-30. Review status: criteria provided, single submitter. Criteria: LMM Criteria. Collection method: clinical testing. Allele origin: germline. Observed: 2 variant alleles.
Comment: 3717+8G>C in Intron 27 of PCDH15: This variant is not expected to have clinical significance because it is not located within the conserved splice consensus seq uence and has been identified in 0.8% (31/3738) of African American chromosomes from a broad population by the NHLBI Exome Sequencing Project.

Clinical Genetics DNA and cytogenetics Diagnostics Lab, Erasmus MC, Erasmus Medical Center
Classification: Likely benign. Review status: no assertion criteria provided. Collection method: clinical testing. Allele origin: germline. Affected: yes. Study: VKGL Data-share Consensus. Not counted in ClinVar's aggregate classification.

Clinical Genetics, Academic Medical Center
Classification: Benign. Review status: no assertion criteria provided. Collection method: clinical testing. Allele origin: germline. Affected: yes. Study: VKGL Data-share Consensus. Not counted in ClinVar's aggregate classification.